The following is an entry in ClinVar:

ClinVar aggregate classification (germline): Uncertain significance (1 of 4 stars; one submission).

Conditions:
Pierson syndrome. Also called: MICROCORIA-CONGENITAL NEPHROTIC SYNDROME. Identifiers: Orphanet 2670, MedGen C1836876, MONDO:0012184, OMIM 609049.
LAMB2-related infantile-onset nephrotic syndrome. Also called: Nephrotic Syndrome, type 5; NEPHROTIC SYNDROME, TYPE 5, WITHOUT OCULAR ABNORMALITIES; NEPHROTIC SYNDROME, TYPE 5, WITH OCULAR ABNORMALITIES. Identifiers: Orphanet 306507, MedGen C3280113, MONDO:0013621, OMIM 614199.

Allele frequency attached by ClinVar (database versions not stated): ExAC 0.00001; gnomAD 0.00001; gnomAD exomes 0.00001.

Submission:

Labcorp Genetics (formerly Invitae), Labcorp
Classification: Uncertain significance for LAMB2-related infantile-onset nephrotic syndrome; Pierson syndrome. Last evaluated: 2020-12-22. Review status: criteria provided, single submitter. Criteria: Invitae Variant Classification Sherloc (09022015). Collection method: clinical testing. Allele origin: germline.
Comment: This variant has not been reported in the literature in individuals with LAMB2-related conditions. In summary, the available evidence is currently insufficient to determine the role of this variant in disease. Therefore, it has been classified as a Variant of Uncertain Significance. Algorithms developed to predict the effect of missense changes on protein structure and function (SIFT, PolyPhen-2, Align-GVGD) all suggest that this variant is likely to be tolerated, but these predictions have not been confirmed by published functional studies and their clinical significance is uncertain. This variant is present in population databases (rs769093652, ExAC 0.001%). This sequence change replaces asparagine with serine at codon 1386 of the LAMB2 protein (p.Asn1386Ser). The asparagine residue is highly conserved and there is a small physicochemical difference between asparagine and serine.

NM_002292.4(LAMB2):c.4157A>G (p.Asn1386Ser)

Gene: LAMB2 (laminin subunit beta 2; minus strand). Cytogenetic location: 3p21.31.
Variant type: single nucleotide variant.
Coding change: c.4157A>G on transcript NM_002292.4 (MANE Select); coding-DNA position 4157, A replaced by G.
Protein change: p.Asn1386Ser; replaces asparagine 1386 with serine.
Molecular consequence: missense variant.
Genome position (GRCh38, 1-based): chr3:49,123,199, T>C on the plus strand (A>G on the coding strand, the complement: LAMB2 is on the minus strand). VCF-style: chr3-49123199-T-C. GRCh37 (hg19) VCF-style: chr3-49160632-T-C.
Other names: short protein forms N1386S.
Identifiers: ClinVar variation 1021645 (VCV001021645.3), dbSNP rs769093652, ClinGen allele CA2393859.
Genomic context (GRCh38, chr3:49,123,199, plus strand): 5'-TTTATGTCTGTCAGGCTCAGGGTGTGGGTATGGGCAGAGAGCTTGCCAAGTGCCCGCTGG[T>C]TGGCCATGTGTTTGCTGTTGAAGTCCTCCTTCTGAGCATCCATCAGTGCCTCTGTCCGAT-3'
Protein context (NP_002283.3, residues 1376-1396): KEDFNSKHMA[Asn1386Ser]QRALGKLSAH